The following is an entry in ClinVar:

ClinVar aggregate classification (germline): Uncertain significance. Review status: criteria provided, multiple submitters, no conflicts (2 of 4 stars). 2 submissions from 2 submitters: Uncertain significance (2). Last evaluated 2022-06-27.

Conditions:
Microvascular complications of diabetes, susceptibility to, 3. Identifiers: MedGen C2675470, MONDO:0012963, OMIM 612624.
Hemorrhage, intracerebral, susceptibility to (ICH). Also called: Stroke, hemorrhagic, susceptibility to. Identifiers: MedGen C3281105, MONDO:0100533, OMIM 614519.
Renal tubular dysgenesis of genetic origin. Also called: PRIMITIVE RENAL TUBULE SYNDROME. Identifiers: Orphanet 97369, MedGen C5681536, MONDO:0009970, OMIM 267430.

Allele frequency attached by ClinVar (database versions not stated): gnomAD exomes below 0.00001 and 0.00001; ExAC 0.00002; gnomAD 0.00005 and 0.00006; TOPMed 0.00006; ESP Exome Variant Server 0.00008.
gnomAD v4.1: 14 of 1,614,054 alleles (0.00087%); highest among the groups gnomAD compares: African/African-American, 0.016%; no homozygotes.

Submissions (2):

Labcorp Genetics (formerly Invitae), Labcorp
Classification: Uncertain significance. Last evaluated: 2022-06-27. Review status: criteria provided, single submitter. Criteria: Invitae Variant Classification Sherloc (09022015). Collection method: clinical testing. Allele origin: germline.
Comment: In summary, the available evidence is currently insufficient to determine the role of this variant in disease. Therefore, it has been classified as a Variant of Uncertain Significance. Algorithms developed to predict the effect of sequence changes on RNA splicing suggest that this variant may create or strengthen a splice site. Algorithms developed to predict the effect of missense changes on protein structure and function (SIFT, PolyPhen-2, Align-GVGD) all suggest that this variant is likely to be disruptive. This variant has not been reported in the literature in individuals affected with ACE-related conditions. This variant is present in population databases (rs370491569, gnomAD 0.02%). This sequence change replaces alanine, which is neutral and non-polar, with valine, which is neutral and non-polar, at codon 363 of the ACE protein (p.Ala363Val).

Fulgent Genetics
Classification: Uncertain significance for Renal tubular dysgenesis of genetic origin; Microvascular complications of diabetes, susceptibility to, 3; Hemorrhage, intracerebral, susceptibility to. Last evaluated: 2022-02-01. Review status: criteria provided, single submitter. Criteria: ACMG Guidelines, 2015. Collection method: clinical testing. Allele origin: unknown.

NM_000789.4(ACE):c.1088C>T (p.Ala363Val)

Gene: ACE (angiotensin I converting enzyme; plus strand). Cytogenetic location: 17q23.3.
Variant type: single nucleotide variant.
Coding change: c.1088C>T on transcript NM_000789.4 (MANE Select); coding-DNA position 1088, C replaced by T.
Protein change: p.Ala363Val; replaces alanine 363 with valine.
Molecular consequence: missense variant. On other transcripts: intron variant (1).
Genome position (GRCh38, 1-based): chr17:63,481,708, C>T. VCF-style: chr17-63481708-C-T. GRCh37 (hg19) VCF-style: chr17-61559069-C-T.
Other names: c.236C>T, p.Ala79Val (NM_001382701.1); c.472+520C>T (NM_001382700.1); short protein forms A363V, A79V.
Identifiers: ClinVar variation 1442188 (VCV001442188.7), dbSNP rs370491569, ClinGen allele CA8699382.
Genomic context (GRCh38, chr17:63,481,708, plus strand): 5'-GGGAAGGGTCGATGCTGGAGAAGCCGGCCGACGGGCGGGAAGTGGTGTGCCACGCCTCGG[C>T]TTGGGACTTCTACAACAGGAAAGACTTCAGGTTCAGACATGGGAAGAGCACGTTCTGGGG-3'
Protein context (NP_000780.1, residues 353-373): DGREVVCHAS[Ala363Val]WDFYNRKDFR